The following is an entry in ClinVar:

ClinVar aggregate classification (germline): Uncertain significance (1 of 4 stars; one submission).

Conditions:
Early-infantile DEE. Also called: Early infantile epileptic encephalopathy; Early infantile epileptic encephalopathy with suppression bursts; Ohtahara syndrome. Identifiers: Orphanet 1934, MedGen C0393706, MONDO:0800491.

Submission:

Labcorp Genetics (formerly Invitae), Labcorp
Classification: Uncertain significance for Early-infantile DEE. Last evaluated: 2023-08-17. Review status: criteria provided, single submitter. Criteria: Invitae Variant Classification Sherloc (09022015). Collection method: clinical testing. Allele origin: germline.
Comment: In summary, the available evidence is currently insufficient to determine the role of this variant in disease. Therefore, it has been classified as a Variant of Uncertain Significance. This variant disrupts the p.Thr263 amino acid residue in KCNQ2. Other variant(s) that disrupt this residue have been determined to be pathogenic (PMID: 25533962; Invitae). This suggests that this residue is clinically significant, and that variants that disrupt this residue are likely to be disease-causing. Advanced modeling of protein sequence and biophysical properties (such as structural, functional, and spatial information, amino acid conservation, physicochemical variation, residue mobility, and thermodynamic stability) has been performed at Invitae for this missense variant, however the output from this modeling did not meet the statistical confidence thresholds required to predict the impact of this variant on KCNQ2 protein function. This variant has not been reported in the literature in individuals affected with KCNQ2-related conditions. This variant is not present in population databases (gnomAD no frequency). This sequence change replaces threonine, which is neutral and polar, with serine, which is neutral and polar, at codon 263 of the KCNQ2 protein (p.Thr263Ser).

Literature cited by the submitters: PubMed 25533962.

NM_172107.4(KCNQ2):c.787A>T (p.Thr263Ser)

Gene: KCNQ2 (potassium voltage-gated channel subfamily Q member 2; minus strand). Cytogenetic location: 20q13.33.
Variant type: single nucleotide variant.
Coding change: c.787A>T on transcript NM_172107.4 (MANE Select); coding-DNA position 787, A replaced by T.
Protein change: p.Thr263Ser; replaces threonine 263 with serine.
Molecular consequence: missense variant.
Genome position (GRCh38, 1-based): chr20:63,442,435, T>A on the plus strand (A>T on the coding strand, the complement: KCNQ2 is on the minus strand). VCF-style: chr20-63442435-T-A. GRCh37 (hg19) VCF-style: chr20-62073788-T-A.
Other names: c.787A>T, p.Thr263Ser (NM_004518.6, NM_172106.3, NM_172108.5 and 2 more transcripts); short protein forms T263S.
Identifiers: ClinVar variation 2827423 (VCV002827423.3), dbSNP rs2081188385, ClinGen allele CA409653415.